The following is an entry in ClinVar:

NM_018319.4(TDP1):c.1049C>G (p.Thr350Arg)

Gene: TDP1 (tyrosyl-DNA phosphodiesterase 1; plus strand). Cytogenetic location: 14q32.11.
Variant type: single nucleotide variant.
Coding change: c.1049C>G on transcript NM_018319.4 (MANE Select); coding-DNA position 1049, C replaced by G.
Protein change: p.Thr350Arg; replaces threonine 350 with arginine.
Molecular consequence: missense variant.
Genome position (GRCh38, 1-based): chr14:89,984,680, C>G. VCF-style: chr14-89984680-C-G. GRCh37 (hg19) VCF-style: chr14-90451024-C-G.
Other names: p.Thr350Arg; c.1049C>G, p.Thr350Arg (NM_001008744.2, NM_001330205.2); short protein forms T350R.
Identifiers: ClinVar variation 4541898 (VCV004541898.1).

ClinVar aggregate classification (germline): Uncertain significance (1 of 4 stars; one submission).

gnomAD v4.1: 2 of 1,613,796 alleles (0.00012%); highest among the groups gnomAD compares: Non-Finnish European, 0.00017%; no homozygotes.

Submission:

Mayo Clinic Laboratories, Mayo Clinic
Classification: Uncertain significance. Last evaluated: 2024-12-24. Review status: criteria provided, single submitter. Criteria: ACMG Guidelines, 2015. Collection method: clinical testing. Allele origin: germline. Observed: 1 variant allele.
Comment: PM2_supporting